The following is an entry in ClinVar:

ClinVar aggregate classification (germline): Uncertain significance (1 of 4 stars; one submission).

Conditions:
Warts, hypogammaglobulinemia, infections, and myelokathexis. Also called: WHIM syndrome. Identifiers: MedGen C0472817, MONDO:0023880.

Submission:

Labcorp Genetics (formerly Invitae), Labcorp
Classification: Uncertain significance for Warts, hypogammaglobulinemia, infections, and myelokathexis. Last evaluated: 2024-06-11. Review status: criteria provided, single submitter. Criteria: Invitae Variant Classification Sherloc (09022015). Collection method: clinical testing. Allele origin: germline.
Comment: This sequence change replaces isoleucine, which is neutral and non-polar, with methionine, which is neutral and non-polar, at codon 261 of the CXCR4 protein (p.Ile261Met). This variant is not present in population databases (gnomAD no frequency). This variant has not been reported in the literature in individuals affected with CXCR4-related conditions. An algorithm developed to predict the effect of missense changes on protein structure and function (PolyPhen-2) suggests that this variant is likely to be tolerated. In summary, the available evidence is currently insufficient to determine the role of this variant in disease. Therefore, it has been classified as a Variant of Uncertain Significance.

NM_003467.3(CXCR4):c.783C>G (p.Ile261Met)

Gene: CXCR4 (C-X-C motif chemokine receptor 4; minus strand). Cytogenetic location: 2q22.1.
Variant type: single nucleotide variant.
Coding change: c.783C>G on transcript NM_003467.3 (MANE Select); coding-DNA position 783, C replaced by G.
Protein change: p.Ile261Met; replaces isoleucine 261 with methionine.
Molecular consequence: missense variant.
Genome position (GRCh38, 1-based): chr2:136,115,145, G>C on the plus strand (C>G on the coding strand, the complement: CXCR4 is on the minus strand). VCF-style: chr2-136115145-G-C. GRCh37 (hg19) VCF-style: chr2-136872715-G-C.
Other names: c.795C>G, p.Ile265Met (NM_001008540.2); c.996C>G, p.Ile332Met (NM_001348056.2); c.882C>G, p.Ile294Met (NM_001348059.2); c.738C>G, p.Ile246Met (NM_001348060.2); short protein forms I261M, I265M, I246M, I294M, I332M.
Identifiers: ClinVar variation 3656270 (VCV003656270.2).